The following is an entry in ClinVar:

ClinVar aggregate classification (germline): Uncertain significance (1 of 4 stars; one submission).

Submission:

GeneDx
Classification: Uncertain significance. Last evaluated: 2024-04-24. Review status: criteria provided, single submitter. Criteria: GeneDx Variant Classification Process June 2021. Collection method: clinical testing. Allele origin: germline. Affected: yes.
Comment: Not observed at significant frequency in large population cohorts (gnomAD); In silico analysis supports that this missense variant has a deleterious effect on protein structure/function; Has not been previously published as pathogenic or benign to our knowledge

NM_006015.6(ARID1A):c.4057C>T (p.Pro1353Ser)

Gene: ARID1A (AT-rich interaction domain 1A; plus strand). Cytogenetic location: 1p36.11.
Variant type: single nucleotide variant.
Coding change: c.4057C>T on transcript NM_006015.6 (MANE Select); coding-DNA position 4057, C replaced by T.
Protein change: p.Pro1353Ser; replaces proline 1353 with serine.
Molecular consequence: missense variant.
Genome position (GRCh38, 1-based): chr1:26,773,854, C>T. VCF-style: chr1-26773854-C-T. GRCh37 (hg19) VCF-style: chr1-27100345-C-T.
Other names: c.4057C>T, p.Pro1353Ser (NM_139135.4); short protein forms P1353S.
Identifiers: ClinVar variation 3252880 (VCV003252880.1), dbSNP rs2124114967.
Genomic context (GRCh38, chr1:26,773,854, plus strand): 5'-TCCTATAGACATGATTCCTATGGCAATCAGTTCTCCACCCAAGGCACCCCTTCTGGCAGC[C>T]CCTTCCCCAGCCAGCAGACTACAATGTATCAACAGCAACAGCAGGTGAGGAGGGTAGCTG-3'
Protein context (NP_006006.3, residues 1343-1363): FSTQGTPSGS[Pro1353Ser]FPSQQTTMYQ